The following is an entry in ClinVar:

ClinVar aggregate classification (germline): Uncertain significance (1 of 4 stars; one submission).

Conditions:
Neurodevelopmental disorder with dysmorphic facies and skeletal and brain abnormalities (NEDDFSB). Identifiers: Orphanet 662189, MedGen C5774231, MONDO:0859297, OMIM 620073.

Submission:

Dasa
Classification: Uncertain significance for Neurodevelopmental disorder with dysmorphic facies and skeletal and brain abnormalities. Last evaluated: 2025-07-14. Review status: criteria provided, single submitter. Criteria: DASA Assertion Criteria. Collection method: clinical testing. Allele origin: germline.
Comment: NM_005826.5(HNRNPR):c.1745A>T (p.Asp582Val) is a missense variant that results in the substitution of aspartic acid with valine. This variant is absent from population databases. Computational prediction algorithms are consistent with a benign effect. The currently available literature and clinical evidence are not sufficient to establish a definitive association between this variant and the reported condition. Therefore, this variant is classified as a variant of uncertain significance.

NM_005826.5(HNRNPR):c.1745A>T (p.Asp582Val)

Gene: HNRNPR (heterogeneous nuclear ribonucleoprotein R; minus strand). Cytogenetic location: 1p36.12.
Variant type: single nucleotide variant.
Coding change: c.1745A>T on transcript NM_005826.5 (MANE Select); coding-DNA position 1745, A replaced by T.
Protein change: p.Asp582Val; replaces aspartic acid 582 with valine.
Molecular consequence: missense variant.
Genome position (GRCh38, 1-based): chr1:23,310,611, T>A on the plus strand (A>T on the coding strand, the complement: HNRNPR is on the minus strand). VCF-style: chr1-23310611-T-A. GRCh37 (hg19) VCF-style: chr1-23637104-T-A.
Other names: c.1442A>T, p.Asp481Val (NM_001102397.3); c.1754A>T, p.Asp585Val (NM_001102398.3); c.1451A>T, p.Asp484Val (NM_001102399.3); c.1631A>T, p.Asp544Val (NM_001297620.2); c.1265A>T, p.Asp422Val (NM_001297621.2); c.1328A>T, p.Asp443Val (NM_001297622.2); c.1568A>T, p.Asp523Val (NM_001437727.1); c.1745A>T, p.Asp582Val (NM_001438564.1); short protein forms D422V, D443V, D481V, D484V, D523V, D544V, D582V, D585V.
Identifiers: ClinVar variation 4881606 (VCV004881606.2).